The following is an entry in ClinVar:

ClinVar aggregate classification (germline): Uncertain significance (1 of 4 stars; one submission).

Conditions:
Agammaglobulinemia 7, autosomal recessive (AGM7). Also called: AGAMMAGLOBULINEMIA, AUTOSOMAL RECESSIVE, DUE TO PIK3R1 DEFECT. Identifiers: MedGen C3554689, MONDO:0014083, OMIM 615214.
Immunodeficiency 36 with lymphoproliferation. Also called: Immunodeficiency 36; Activated PI3K Delta Syndrome Type 2 (APDS2); ACTIVATED PI3K-DELTA SYNDROME 2. Identifiers: Orphanet 397596, Orphanet 693681, MedGen C4014934, MONDO:0014453, OMIM 616005.
SHORT syndrome. Also called: LIPODYSTROPHY, PARTIAL, WITH RIEGER ANOMALY AND SHORT STATURE; SHORT STATURE, HYPEREXTENSIBILITY, HERNIA, OCULAR DEPRESSION, RIEGER ANOMALY, AND TEETHING DELAY; PIK3R1-Related SHORT Syndrome. Identifiers: Orphanet 3163, MedGen C0878684, MONDO:0010026, OMIM 269880.

Allele frequency attached by ClinVar (database versions not stated): gnomAD exomes below 0.00001; gnomAD 0.00001; TOPMed 0.00002.
gnomAD v4.1: 3 of 1,610,852 alleles (0.00019%); highest among the groups gnomAD compares: Non-Finnish European, 0.00025%; no homozygotes.

Submission:

Labcorp Genetics (formerly Invitae), Labcorp
Classification: Uncertain significance for SHORT syndrome; Immunodeficiency 36 with lymphoproliferation; Agammaglobulinemia 7, autosomal recessive. Last evaluated: 2024-10-16. Review status: criteria provided, single submitter. Criteria: Invitae Variant Classification Sherloc (09022015). Collection method: clinical testing. Allele origin: germline.
Comment: This sequence change falls in intron 3 of the PIK3R1 gene. It does not directly change the encoded amino acid sequence of the PIK3R1 protein. It affects a nucleotide within the consensus splice site. This variant is present in population databases (no rsID available, gnomAD 0.007%). This variant has not been reported in the literature in individuals affected with PIK3R1-related conditions. ClinVar contains an entry for this variant (Variation ID: 642350). Variants that disrupt the consensus splice site are a relatively common cause of aberrant splicing (PMID: 17576681, 9536098). Algorithms developed to predict the effect of sequence changes on RNA splicing suggest that this variant is not likely to affect RNA splicing. In summary, the available evidence is currently insufficient to determine the role of this variant in disease. Therefore, it has been classified as a Variant of Uncertain Significance.

Literature cited by the submitters: PubMed 17576681; PubMed 9536098.

NM_181523.3(PIK3R1):c.427+4A>C

Gene: PIK3R1 (phosphoinositide-3-kinase regulatory subunit 1; plus strand). Cytogenetic location: 5q13.1.
Variant type: single nucleotide variant.
Coding change: c.427+4A>C on transcript NM_181523.3 (MANE Select); 4 bases into the intron after coding-DNA position 427, A replaced by C.
Molecular consequence: intron variant.
Genome position (GRCh38, 1-based): chr5:68,273,486, A>C. VCF-style: chr5-68273486-A-C. GRCh37 (hg19) VCF-style: chr5-67569314-A-C.
Identifiers: ClinVar variation 642350 (VCV000642350.7), dbSNP rs1380740486, ClinGen allele CA559868409.
Genomic context (GRCh38, chr5:68,273,486, plus strand): 5'-CTCCTGACATTGCCCCGCCTCTTCTTATCAAGCTCGTGGAAGCCATTGAAAAGAAAGGTA[A>C]CCAGACTGCTAGAGGGCATCAGTTCCTTTGTTCTACCCTTATTTCATGGCTCTTATTATT-3'